The following is an entry in ClinVar:

NM_000260.4(MYO7A):c.4517del (p.Gln1506fs)

Gene: MYO7A (myosin VIIA; plus strand). Cytogenetic location: 11q13.5.
Variant type: Deletion.
Coding change: c.4517del on transcript NM_000260.4 (MANE Select); coding-DNA position 4517, one base deleted (A; older notation c.4517delA).
Protein change: p.Gln1506fs; shifts the reading frame from glutamine 1506.
Molecular consequence: frameshift variant.
Genome position (GRCh38, 1-based): chr11:77,198,570, A deleted. VCF-style (leftmost placement, unchanged base first): chr11-77198569-CA-C. GRCh37 (hg19) VCF-style: chr11-76909614-CA-C.
Other names: c.4517del, p.Gln1506fs (NM_001127180.2); c.4484del, p.Gln1495fs (NM_001369365.1); short protein forms Q1495fs, Q1506fs.
Identifiers: ClinVar variation 3601480 (VCV003601480.1).
Genomic context (GRCh38, chr11:77,198,569, plus strand): 5'-AAGAACGACGTCATCGTGGCCGTCAACTGGACGGGTGTGTACTTTGTGGATGAGCAGGAG[CA>C]GGTACTTCTGGAGCTGTCCTTCCCAGAGATCATGGCCGTGTCCAGCAGCAGGTGAGGAGG-3'

ClinVar aggregate classification (germline): Likely pathogenic (1 of 4 stars; one submission).

Conditions:
Autosomal recessive nonsyndromic hearing loss 2. Also called: NEUROSENSORY NONSYNDROMIC RECESSIVE DEAFNESS 2; DEAFNESS, AUTOSOMAL RECESSIVE 2. Identifiers: Orphanet 90636, MedGen C1838701, MONDO:0010807, OMIM 600060.

Submission:

Institute of Rare Diseases, West China Hospital, Sichuan University
Classification: Likely pathogenic for Autosomal recessive nonsyndromic hearing loss 2. Last evaluated: 2025-01-09. Review status: criteria provided, single submitter. Criteria: ClinGen HL ACMG Specifications v1. Collection method: research. Allele origin: germline. Affected: yes.
Comment: PVS1;PM2_Supporting